The following is an entry in ClinVar:

NM_001171.6(ABCC6):c.2342C>T (p.Ala781Val)

Gene: ABCC6 (ATP binding cassette subfamily C member 6; minus strand). Cytogenetic location: 16p13.11.
Variant type: single nucleotide variant.
Coding change: c.2342C>T on transcript NM_001171.6 (MANE Select); coding-DNA position 2342, C replaced by T.
Protein change: p.Ala781Val; replaces alanine 781 with valine.
Molecular consequence: missense variant. On other transcripts: non-coding transcript variant (1).
Genome position (GRCh38, 1-based): chr16:16,178,871, G>A on the plus strand (C>T on the coding strand, the complement: ABCC6 is on the minus strand). VCF-style: chr16-16178871-G-A. GRCh37 (hg19) VCF-style: chr16-16272728-G-A.
Other names: c.2000C>T, p.Ala667Val (NM_001351800.1); short protein forms A781V, A667V.
Identifiers: ClinVar variation 433273 (VCV000433273.13), dbSNP rs72653791, ClinGen allele CA7925956.

ClinVar aggregate classification (germline): Uncertain significance. Review status: criteria provided, multiple submitters, no conflicts (2 of 4 stars). 7 submissions from 7 submitters: Uncertain significance (5). 2 of the submissions do not count toward it. Last evaluated 2024-03-30.

Conditions:
Autosomal recessive inherited pseudoxanthoma elasticum (PXE). Identifiers: Orphanet 758, MedGen CN032334, MONDO:0009925, OMIM 264800.
Pseudoxanthoma elasticum, forme fruste. Also called: PSEUDOXANTHOMA ELASTICUM, HETEROZYGOUS; Pseudoxanthoma Elasticum, Incomplete. Identifiers: Orphanet 758, MedGen C1867450, MONDO:0008333, OMIM 177850.
Arterial calcification, generalized, of infancy, 2. Identifiers: Orphanet 51608, MedGen C3276161, MONDO:0013768, OMIM 614473.
ABCC6-related disorder. Also called: ABCC6-related condition.

Allele frequency attached by ClinVar (database versions not stated): gnomAD 0.00002; gnomAD exomes 0.00002; TOPMed 0.00002.
gnomAD v4.1: 29 of 1,613,750 alleles (0.0018%); highest among the groups gnomAD compares: South Asian, 0.0044%; no homozygotes.

Submissions (7):

Fulgent Genetics
Classification: Uncertain significance for Pseudoxanthoma elasticum, forme fruste; Autosomal recessive inherited pseudoxanthoma elasticum; Arterial calcification, generalized, of infancy, 2. Last evaluated: 2024-03-30. Review status: criteria provided, single submitter. Criteria: ACMG Guidelines, 2015. Collection method: clinical testing. Allele origin: germline.

Labcorp Genetics (formerly Invitae), Labcorp
Classification: Uncertain significance. Last evaluated: 2024-01-29. Review status: criteria provided, single submitter. Criteria: Invitae Variant Classification Sherloc (09022015). Collection method: clinical testing. Allele origin: germline.
Comment: This sequence change replaces alanine, which is neutral and non-polar, with valine, which is neutral and non-polar, at codon 781 of the ABCC6 protein (p.Ala781Val). This variant is present in population databases (rs72653791, gnomAD 0.006%). This missense change has been observed in individual(s) with clinical features of pseudoxanthoma elasticum (PMID: 15894595). ClinVar contains an entry for this variant (Variation ID: 433273). Advanced modeling of protein sequence and biophysical properties (such as structural, functional, and spatial information, amino acid conservation, physicochemical variation, residue mobility, and thermodynamic stability) performed at Invitae indicates that this missense variant is expected to disrupt ABCC6 protein function with a positive predictive value of 95%. Experimental studies are conflicting or provide insufficient evidence to determine the effect of this variant on ABCC6 function (PMID: 30154241). In summary, the available evidence is currently insufficient to determine the role of this variant in disease. Therefore, it has been classified as a Variant of Uncertain Significance.

Blueprint Genetics
Classification: Uncertain significance. Last evaluated: 2023-09-05. Review status: criteria provided, single submitter. Criteria: ACMG Guidelines, 2015. Collection method: clinical testing. Allele origin: germline.

Department of Pathology and Laboratory Medicine, Sinai Health System
Classification: Uncertain significance for autosomal recessive inherited pseudoxanthoma elasticum. Last evaluated: 2021-11-08. Review status: criteria provided, single submitter. Criteria: ACMG Guidelines, 2015. Collection method: research. Allele origin: germline.

GeneDx
Classification: Uncertain significance. Last evaluated: 2020-09-08. Review status: criteria provided, single submitter. Criteria: GeneDx Variant Classification Process June 2021. Collection method: clinical testing. Allele origin: germline. Affected: yes.
Comment: In silico analysis, which includes protein predictors and evolutionary conservation, supports a deleterious effect; Observed in an individual with pseudoxanthoma elasticum in published literature (Chassaing et al., 2005); however information about a second variant was not provided; In vitro functional analysis showed that A781V mutant produced <20% of the wild type galactosidase activity, which likely results from changes in folding and structure of the domain; however A781V showed similar intracellular trafficking to wild-type protein, and in the context of the full protein, showed more efficient folding than the isolated NBD domain; This variant is associated with the following publications: (PMID: 15894595, 30154241, 23485117)

PreventionGenetics, part of Exact Sciences
Classification: Uncertain significance for ABCC6-related condition. Last evaluated: 2023-10-21. Review status: no assertion criteria provided. Collection method: clinical testing. Allele origin: germline. Not counted in ClinVar's aggregate classification.
Comment: The ABCC6 c.2342C>T variant is predicted to result in the amino acid substitution p.Ala781Val. This variant was reported in an individual with pseudoxanthoma elasticum; however, detailed clinical and genetic information were not provided (Chassaing et al 2005. PubMed ID: 15894595). Structural biology studies indicated that this variant may result in partial loss-of-function, but the clinical validity of these studies has not been well established (Ran Y et al 2018. PubMed ID: 30154241). This variant is reported in 0.0065% of alleles in individuals of South Asian descent in gnomAD. At this time, the clinical significance of this variant is uncertain due to the absence of conclusive functional and genetic evidence.

PXE International
Classification: Uncertain significance for Autosomal recessive inherited pseudoxanthoma elasticum. Last evaluated: 2021-02-04. Review status: no assertion criteria provided. Collection method: research. Allele origin: germline. Inheritance: Autosomal recessive inheritance. Affected: yes. Not counted in ClinVar's aggregate classification.

Literature cited by the submitters: PubMed 15894595 (cited by Labcorp Genetics (formerly Invitae), Labcorp and PXE International); PubMed 30154241 (cited by Labcorp Genetics (formerly Invitae), Labcorp); PubMed 32873932 (cited by PXE International).